The following is an entry in ClinVar:

NM_000812.4(GABRB1):c.1043C>T (p.Ala348Val)

Gene: GABRB1 (gamma-aminobutyric acid type A receptor subunit beta1; plus strand). Cytogenetic location: 4p12.
Variant type: single nucleotide variant.
Coding change: c.1043C>T on transcript NM_000812.4 (MANE Select); coding-DNA position 1043, C replaced by T.
Protein change: p.Ala348Val; replaces alanine 348 with valine.
Molecular consequence: missense variant.
Genome position (GRCh38, 1-based): chr4:47,406,889, C>T. VCF-style: chr4-47406889-C-T. GRCh37 (hg19) VCF-style: chr4-47408906-C-T.
Other names: short protein forms A348V.
Identifiers: ClinVar variation 2835037 (VCV002835037.3), dbSNP rs1728591686, ClinGen allele CA356811967.
Genomic context (GRCh38, chr4:47,406,889, plus strand): 5'-ATTACATCTTCTTTGGGAAAGGCCCTCAGAAAAAGGGAGCTAGCAAACAAGACCAGAGTG[C>T]CAATGAGAAGAATAAACTGGAGATGAATAAAGTCCAGGTAAGATATTAAATATTCCTAAC-3'
Protein context (NP_000803.2, residues 338-358): KKGASKQDQS[Ala348Val]NEKNKLEMNK

ClinVar aggregate classification (germline): Uncertain significance (1 of 4 stars; one submission).

Allele frequency attached by ClinVar (database versions not stated): gnomAD exomes below 0.00001.

Submission:

Labcorp Genetics (formerly Invitae), Labcorp
Classification: Uncertain significance. Last evaluated: 2023-09-25. Review status: criteria provided, single submitter. Criteria: Invitae Variant Classification Sherloc (09022015). Collection method: clinical testing. Allele origin: germline.
Comment: This variant is not present in population databases (gnomAD no frequency). In summary, the available evidence is currently insufficient to determine the role of this variant in disease. Therefore, it has been classified as a Variant of Uncertain Significance. Advanced modeling of protein sequence and biophysical properties (such as structural, functional, and spatial information, amino acid conservation, physicochemical variation, residue mobility, and thermodynamic stability) performed at Invitae indicates that this missense variant is not expected to disrupt GABRB1 protein function. This variant has not been reported in the literature in individuals affected with GABRB1-related conditions. This sequence change replaces alanine, which is neutral and non-polar, with valine, which is neutral and non-polar, at codon 348 of the GABRB1 protein (p.Ala348Val).